The following is an entry in ClinVar:

ClinVar aggregate classification (germline): Uncertain significance (1 of 4 stars; one submission).

Conditions:
Inborn genetic diseases. Identifiers: MedGen C0950123, MeSH D030342.

Submission:

Ambry Genetics
Classification: Uncertain significance for Inborn genetic diseases. Last evaluated: 2024-12-08. Review status: criteria provided, single submitter. Criteria: Ambry Variant Classification Scheme 2023. Collection method: clinical testing. Allele origin: germline.
Comment: The p.L587F variant (also known as c.1761G>C), located in coding exon 15 of the BUB1B gene, results from a G to C substitution at nucleotide position 1761. The leucine at codon 587 is replaced by phenylalanine, an amino acid with highly similar properties. This amino acid position is conserved. In addition, this alteration is predicted to be tolerated by in silico analysis. Based on the available evidence, the clinical significance of this variant remains unclear.

NM_001211.6(BUB1B):c.1761G>C (p.Leu587Phe)

Gene: BUB1B (BUB1 mitotic checkpoint serine/threonine kinase B; plus strand). Cytogenetic location: 15q15.1.
Variant type: single nucleotide variant.
Coding change: c.1761G>C on transcript NM_001211.6 (MANE Select); coding-DNA position 1761, G replaced by C.
Protein change: p.Leu587Phe; replaces leucine 587 with phenylalanine.
Molecular consequence: missense variant.
Genome position (GRCh38, 1-based): chr15:40,206,210, G>C. VCF-style: chr15-40206210-G-C. GRCh37 (hg19) VCF-style: chr15-40498411-G-C.
Other names: short protein forms L587F.
Identifiers: ClinVar variation 3483257 (VCV003483257.1).